The following is an entry in ClinVar:

ClinVar aggregate classification (germline): Uncertain significance (1 of 4 stars; one submission).

Submission:

Labcorp Genetics (formerly Invitae), Labcorp
Classification: Uncertain significance. Last evaluated: 2026-01-23. Review status: criteria provided, single submitter. Criteria: Invitae Variant Classification Sherloc (09022015). Collection method: clinical testing. Allele origin: germline.
Comment: This sequence change replaces leucine, which is neutral and non-polar, with arginine, which is basic and polar, at codon 635 of the MYLK3 protein (p.Leu635Arg). This variant is not present in population databases (gnomAD no frequency). This variant has not been reported in the literature in individuals affected with MYLK3-related conditions. An algorithm developed to predict the effect of missense changes on protein structure and function (PolyPhen-2) suggests that this variant is likely to be disruptive. In summary, the available evidence is currently insufficient to determine the role of this variant in disease. Therefore, it has been classified as a Variant of Uncertain Significance.

NM_182493.3(MYLK3):c.1904T>G (p.Leu635Arg)

Gene: MYLK3 (myosin light chain kinase 3; minus strand). Cytogenetic location: 16q11.2.
Variant type: single nucleotide variant.
Coding change: c.1904T>G on transcript NM_182493.3 (MANE Select); coding-DNA position 1904, T replaced by G.
Protein change: p.Leu635Arg; replaces leucine 635 with arginine.
Molecular consequence: missense variant.
Genome position (GRCh38, 1-based): chr16:46,727,246, A>C on the plus strand (T>G on the coding strand, the complement: MYLK3 is on the minus strand). VCF-style: chr16-46727246-A-C. GRCh37 (hg19) VCF-style: chr16-46761158-A-C.
Other names: c.881T>G, p.Leu294Arg (NM_001308301.1); short protein forms L294R, L635R.
Identifiers: ClinVar variation 4735920 (VCV004735920.1).